The following is an entry in ClinVar:

NM_014423.4(AFF4):c.1284T>C (p.Ser428=)

Gene: AFF4 (ALF transcription elongation factor 4; minus strand). Cytogenetic location: 5q31.1.
Variant type: single nucleotide variant.
Coding change: c.1284T>C on transcript NM_014423.4 (MANE Select); coding-DNA position 1284, T replaced by C.
Protein change: p.Ser428=; no amino-acid change (serine 428 retained).
Molecular consequence: synonymous variant.
Genome position (GRCh38, 1-based): chr5:132,898,335, A>G on the plus strand (T>C on the coding strand, the complement: AFF4 is on the minus strand). VCF-style: chr5-132898335-A-G. GRCh37 (hg19) VCF-style: chr5-132234027-A-G.
Other names: c.1284T>C (NM_014423.3).
Identifiers: ClinVar variation 2805491 (VCV002805491.4), dbSNP rs1760462448, ClinGen allele CA446369784.

ClinVar aggregate classification (germline): Likely benign. Review status: criteria provided, multiple submitters, no conflicts (2 of 4 stars). 2 submissions from 2 submitters: Likely benign (2). Last evaluated 2025-01-23.

Conditions:
AFF4-related disorder. Also called: AFF4-related condition.
Cognitive impairment - coarse facies - heart defects - obesity - pulmonary involvement - short stature - skeletal dysplasia syndrome. Also called: AFF4-Related CHOPS Syndrome; Chops syndrome; COGNITIVE IMPAIRMENT, COARSE FACIES, HEART DEFECTS, OBESITY, PULMONARY INVOLVEMENT, SHORT STATURE, AND SKELETAL DYSPLASIA. Identifiers: Orphanet 444077, MedGen C4085597, MONDO:0014609, OMIM 616368.

Allele frequency attached by ClinVar (database versions not stated): TOPMed below 0.00001.

Submissions (2):

PreventionGenetics, part of Exact Sciences
Classification: Likely benign for AFF4-related condition. Last evaluated: 2025-01-23. Review status: criteria provided, single submitter. Criteria: ACMG Guidelines, 2015. Collection method: clinical testing. Allele origin: germline.
Comment: This variant is classified as likely benign based on ACMG/AMP sequence variant interpretation guidelines (Richards et al. 2015 PMID: 25741868, with internal and published modifications).

Labcorp Genetics (formerly Invitae), Labcorp
Classification: Likely benign for Cognitive impairment - coarse facies - heart defects - obesity - pulmonary involvement - short stature - skeletal dysplasia syndrome. Last evaluated: 2023-11-21. Review status: criteria provided, single submitter. Criteria: Invitae Variant Classification Sherloc (09022015). Collection method: clinical testing. Allele origin: germline.